The following is an entry in ClinVar:

ClinVar aggregate classification (germline): Uncertain significance (1 of 4 stars; one submission).

Conditions:
Meckel-Gruber syndrome. Also called: Dysencephalia splachnocystica; DYSENCEPHALIA SPLANCHNOCYSTICA; GRUBER SYNDROME. Identifiers: Orphanet 564, MedGen C0265215, MONDO:0018921.
Joubert syndrome. Also called: Familial aplasia of the vermis; JOUBERT-BOLTSHAUSER SYNDROME. Identifiers: Orphanet 475, MedGen C5979921, MONDO:0018772.

gnomAD v4.1: 9 of 1,596,276 alleles (0.00056%); highest among the groups gnomAD compares: Non-Finnish European, 0.00077%; no homozygotes.

Submission:

Labcorp Genetics (formerly Invitae), Labcorp
Classification: Uncertain significance for Joubert syndrome; Meckel-Gruber syndrome. Last evaluated: 2021-09-02. Review status: criteria provided, single submitter. Criteria: Invitae Variant Classification Sherloc (09022015). Collection method: clinical testing. Allele origin: germline.
Comment: This sequence change replaces threonine with isoleucine at codon 504 of the CC2D2A protein (p.Thr504Ile). The threonine residue is moderately conserved and there is a moderate physicochemical difference between threonine and isoleucine. This variant is not present in population databases (ExAC no frequency). This variant has not been reported in the literature in individuals affected with CC2D2A-related conditions. Algorithms developed to predict the effect of missense changes on protein structure and function (SIFT, PolyPhen-2, Align-GVGD) all suggest that this variant is likely to be tolerated. In summary, the available evidence is currently insufficient to determine the role of this variant in disease. Therefore, it has been classified as a Variant of Uncertain Significance.

NM_001378615.1(CC2D2A):c.1511C>T (p.Thr504Ile)

Genes: FBXL5 (F-box and leucine rich repeat protein 5; minus strand), CC2D2A (coiled-coil and C2 domain containing 2A; plus strand). Cytogenetic location: 4p15.32.
Variant type: single nucleotide variant.
Coding change: c.1511C>T on transcript NM_001378615.1 (MANE Select); coding-DNA position 1511, C replaced by T.
Protein change: p.Thr504Ile; replaces threonine 504 with isoleucine.
Molecular consequence: missense variant.
Genome position (GRCh38, 1-based): chr4:15,533,237, C>T. VCF-style: chr4-15533237-C-T. GRCh37 (hg19) VCF-style: chr4-15534860-C-T.
Other names: c.1511C>T, p.Thr504Ile (NM_001080522.2); c.1364C>T, p.Thr455Ile (NM_001378617.1); short protein forms T455I, T504I.
Identifiers: ClinVar variation 962381 (VCV000962381.7), dbSNP rs1717945434, ClinGen allele CA356410928.